The following is an entry in ClinVar:

NM_001130144.3(LTBP3):c.3546G>A (p.Ala1182=)

Gene: LTBP3 (latent transforming growth factor beta binding protein 3; minus strand). Cytogenetic location: 11q13.1.
Variant type: single nucleotide variant.
Coding change: c.3546G>A on transcript NM_001130144.3 (MANE Select); coding-DNA position 3546, G replaced by A.
Protein change: p.Ala1182=; no amino-acid change (alanine 1182 retained).
Molecular consequence: synonymous variant.
Genome position (GRCh38, 1-based): chr11:65,539,721, C>T on the plus strand (G>A on the coding strand, the complement: LTBP3 is on the minus strand). VCF-style: chr11-65539721-C-T. GRCh37 (hg19) VCF-style: chr11-65307192-C-T.
Other names: c.3054G>A, p.Ala1018= (NM_001164266.1); c.3405G>A, p.Ala1135= (NM_021070.4).
Identifiers: ClinVar variation 3623821 (VCV003623821.2).

ClinVar aggregate classification (germline): Uncertain significance (1 of 4 stars; one submission).

Conditions:
Brachyolmia-amelogenesis imperfecta syndrome. Also called: Tooth agenesis, selective, 6; Dental anomalies and short stature; PLATYSPONDYLY WITH AMELOGENESIS IMPERFECTA. Identifiers: Orphanet 2899, MedGen C1832594, MONDO:0011018, OMIM 601216. Disease mechanism: loss of function.

Submission:

Labcorp Genetics (formerly Invitae), Labcorp
Classification: Uncertain significance for Brachyolmia-amelogenesis imperfecta syndrome. Last evaluated: 2024-10-30. Review status: criteria provided, single submitter. Criteria: Invitae Variant Classification Sherloc (09022015). Collection method: clinical testing. Allele origin: germline.
Comment: This sequence change affects codon 1182 of the LTBP3 mRNA. It is a 'silent' change, meaning that it does not change the encoded amino acid sequence of the LTBP3 protein. It affects a nucleotide within the consensus splice site. The frequency data for this variant in the population databases is considered unreliable, as metrics indicate poor data quality at this position in the gnomAD database. This variant has not been reported in the literature in individuals affected with LTBP3-related conditions. Algorithms developed to predict the effect of sequence changes on RNA splicing suggest that this variant is not likely to affect RNA splicing. In summary, the available evidence is currently insufficient to determine the role of this variant in disease. Therefore, it has been classified as a Variant of Uncertain Significance.